The following is an entry in ClinVar:

NM_144691.4(CAPN12):c.560+190del

Gene: CAPN12 (calpain 12; minus strand). Cytogenetic location: 19q13.2.
Variant type: Deletion.
Coding change: c.560+190del on transcript NM_144691.4 (MANE Select); 190 bases into the intron after coding-DNA position 560, one base deleted (T; older notation c.560+190delT).
Molecular consequence: intron variant.
Genome position (GRCh38, 1-based): chr19:38,741,587, A deleted on the plus strand (T on the coding strand, the reverse complement: CAPN12 is on the minus strand); the first of 14 consecutive A bases (chr19:38,741,587-38,741,600); deleting any one gives the same sequence. VCF-style (leftmost placement, unchanged base first): chr19-38741586-GA-G. GRCh37 (hg19) VCF-style: chr19-39232226-GA-G.
Identifiers: ClinVar variation 4795385 (VCV004795385.1).

ClinVar aggregate classification (germline): Likely benign (1 of 4 stars; one submission).

Submission:

GeneDx
Classification: Likely benign. Last evaluated: 2019-10-05. Review status: criteria provided, single submitter. Criteria: GeneDx Variant Classification Process June 2021. Collection method: clinical testing. Allele origin: germline. Affected: yes.
Comment: See Variant Classification Assertion Criteria.